The following is an entry in ClinVar:

ClinVar aggregate classification (germline): Benign. Review status: criteria provided, multiple submitters, no conflicts (2 of 4 stars). 2 submissions from 2 submitters: Benign (2). Last evaluated 2018-06-19.

Allele frequency attached by ClinVar (database versions not stated): gnomAD exomes 0.97471; gnomAD 0.97901 and 0.97906; TOPMed 0.98112; 1000 Genomes Project 0.98323; 1000 Genomes Project 30x 0.98376.
gnomAD v4.1: 895,987 of 918,516 alleles (98%); highest among the groups gnomAD compares: East Asian, 100%; 437,111 homozygotes.

Submissions (2):

GeneDx
Classification: Benign. Last evaluated: 2018-06-19. Review status: criteria provided, single submitter. Criteria: GeneDx Variant Classification (06012015). Collection method: clinical testing. Allele origin: germline. Affected: yes.
Comment: This variant is considered likely benign or benign based on one or more of the following criteria: it is a conservative change, it occurs at a poorly conserved position in the protein, it is predicted to be benign by multiple in silico algorithms, and/or has population frequency not consistent with disease.

Breakthrough Genomics
Classification: Benign. Review status: criteria provided, single submitter. Criteria: ACMG Guidelines, 2015. Collection method: not provided. Allele origin: germline. Inheritance: Autosomal recessive inheritance. Affected: yes.

NM_152906.7(TANGO2):c.-39-109A>G

Gene: TANGO2 (transport and golgi organization 2 homolog; plus strand). Cytogenetic location: 22q11.21.
Variant type: single nucleotide variant.
Coding change: c.-39-109A>G on transcript NM_152906.7 (MANE Select); 109 bases into the intron before 39 bases upstream of the start codon, A replaced by G.
Molecular consequence: intron variant.
Genome position (GRCh38, 1-based): chr22:20,036,651, A>G. VCF-style: chr22-20036651-A-G. GRCh37 (hg19) VCF-style: chr22-20024174-A-G.
Other names: c.-39-109A>G (NM_001283106.3, NM_001322163.2, NM_001283179.3 and 10 more transcripts); c.-218-109A>G (NM_001322174.2, NM_001322160.2, NM_001322175.2 and 5 more transcripts); c.-458-109A>G (NM_001322172.2, NM_001322148.2, NM_001322150.2 and 1 more transcripts); c.-156-109A>G (NM_001322143.2, NM_001322145.2, NM_001322141.2 and 5 more transcripts).
Identifiers: ClinVar variation 684137 (VCV000684137.2), dbSNP rs2531713, ClinGen allele CA16000854.